The following is an entry in ClinVar:

ClinVar aggregate classification (germline): Uncertain significance (1 of 4 stars; one submission).

Conditions:
Hereditary cancer-predisposing syndrome. Also called: Hereditary Cancer Syndrome; Hereditary neoplastic syndrome; Neoplastic Syndromes, Hereditary; Tumor predisposition. Identifiers: Orphanet 140162, MedGen C0027672, MeSH D009386, MONDO:0015356.

Submission:

Ambry Genetics
Classification: Uncertain significance for Hereditary cancer-predisposing syndrome. Last evaluated: 2025-08-12. Review status: criteria provided, single submitter. Criteria: Ambry Variant Classification Scheme 2023. Collection method: clinical testing. Allele origin: germline.
Comment: The p.P367T variant (also known as c.1099C>A), located in coding exon 4 of the ALK gene, results from a C to A substitution at nucleotide position 1099. The proline at codon 367 is replaced by threonine, an amino acid with highly similar properties. This amino acid position is conserved. In addition, the in silico prediction for this alteration is inconclusive. Based on the available evidence, the clinical significance of this variant remains unclear.

NM_004304.5(ALK):c.1099C>A (p.Pro367Thr)

Gene: ALK (ALK receptor tyrosine kinase; minus strand). Cytogenetic location: 2p23.2.
Variant type: single nucleotide variant.
Coding change: c.1099C>A on transcript NM_004304.5 (MANE Select); coding-DNA position 1099, C replaced by A.
Protein change: p.Pro367Thr; replaces proline 367 with threonine.
Molecular consequence: missense variant.
Genome position (GRCh38, 1-based): chr2:29,531,970, G>T on the plus strand (C>A on the coding strand, the complement: ALK is on the minus strand). VCF-style: chr2-29531970-G-T. GRCh37 (hg19) VCF-style: chr2-29754836-G-T.
Other names: short protein forms P367T.
Identifiers: ClinVar variation 4272868 (VCV004272868.1).